The following is an entry in ClinVar:

ClinVar aggregate classification (germline): Likely pathogenic (1 of 4 stars; one submission).

Submission:

Labcorp Genetics (formerly Invitae), Labcorp
Classification: Likely pathogenic. Last evaluated: 2025-12-28. Review status: criteria provided, single submitter. Criteria: Invitae Variant Classification Sherloc (09022015). Collection method: clinical testing. Allele origin: germline.
Comment: This variant results in the deletion of part of exon 10 (c.1677-5_1690del) of the MUT gene. It is expected to disrupt RNA splicing. Variants that disrupt the donor or acceptor splice site typically lead to a loss of protein function (PMID: 16199547), and loss-of-function variants in MUT are known to be pathogenic (PMID: 15781192). This variant is not present in population databases (gnomAD no frequency). This variant has been observed in individual(s) with methylmalonic aciduria (PMID: 37316190). In summary, the currently available evidence indicates that the variant is pathogenic, but additional data are needed to prove that conclusively. Therefore, this variant has been classified as Likely Pathogenic.

Literature cited by the submitters: PubMed 16199547; PubMed 15781192; PubMed 37316190.

NM_000255.4(MMUT):c.1677-5_1690del

Gene: MMUT (methylmalonyl-CoA mutase; minus strand). Cytogenetic location: 6p12.3.
Variant type: Deletion.
Coding change: c.1677-5_1690del on transcript NM_000255.4 (MANE Select); 5 bases into the intron before coding-DNA position 1677 through coding-DNA position 1690, 19 bases deleted (TTCAGATGTACAGTGGGAG).
Molecular consequence: splice acceptor variant.
Genome position (GRCh38, 1-based): chr6:49,441,958-49,441,976, CTCCCACTGTACATCTGAA deleted on the plus strand (TTCAGATGTACAGTGGGAG on the coding strand, the reverse complement: MMUT is on the minus strand). VCF-style (leftmost placement, unchanged base first): chr6-49441957-TCTCCCACTGTACATCTGAA-T. GRCh37 (hg19) VCF-style: chr6-49409670-TCTCCCACTGTACATCTGAA-T.
Identifiers: ClinVar variation 4810595 (VCV004810595.1).